The following is an entry in ClinVar:

ClinVar aggregate classification (germline): Uncertain significance. Review status: criteria provided, multiple submitters, no conflicts (2 of 4 stars). 2 submissions from 2 submitters: Uncertain significance (2). Last evaluated 2025-06-23.

Conditions:
Inborn genetic diseases. Identifiers: MedGen C0950123, MeSH D030342.

Allele frequency attached by ClinVar (database versions not stated): gnomAD 0.00001; gnomAD exomes 0.00004; TOPMed 0.00001; ExAC 0.00014.
gnomAD v4.1: 59 of 1,546,476 alleles (0.0038%); highest among the groups gnomAD compares: South Asian, 0.006%; no homozygotes.

Submissions (2):

GeneDx
Classification: Uncertain significance. Last evaluated: 2025-06-23. Review status: criteria provided, single submitter. Criteria: GeneDx Variant Classification Process June 2021. Collection method: clinical testing. Allele origin: germline. Affected: yes.
Comment: In silico analysis suggests that this missense variant does not alter protein structure/function; Has not been previously published as pathogenic or benign to our knowledge

Ambry Genetics
Classification: Uncertain significance for Inborn genetic diseases. Last evaluated: 2022-08-26. Review status: criteria provided, single submitter. Criteria: Ambry Variant Classification Scheme 2023. Collection method: clinical testing. Allele origin: germline.

NM_001142864.4(PIEZO1):c.5200A>G (p.Ile1734Val)

Gene: PIEZO1 (piezo type mechanosensitive ion channel component 1 (Er blood group); minus strand). Cytogenetic location: 16q24.3.
Variant type: single nucleotide variant.
Coding change: c.5200A>G on transcript NM_001142864.4 (MANE Select); coding-DNA position 5200, A replaced by G.
Protein change: p.Ile1734Val; replaces isoleucine 1734 with valine.
Molecular consequence: missense variant.
Genome position (GRCh38, 1-based): chr16:88,721,822, T>C on the plus strand (A>G on the coding strand, the complement: PIEZO1 is on the minus strand). VCF-style: chr16-88721822-T-C. GRCh37 (hg19) VCF-style: chr16-88788230-T-C.
Other names: c.3742A>G, p.Ile1248Val (NM_014745.1); short protein forms I1734V, I1248V.
Identifiers: ClinVar variation 2299058 (VCV002299058.3), dbSNP rs752384136, ClinGen allele CA8231941.